The following is an entry in ClinVar:

NM_001352027.3(PHF21A):c.13A>T (p.Thr5Ser)

Gene: PHF21A (PHD finger protein 21A; minus strand). Cytogenetic location: 11p11.2.
Variant type: single nucleotide variant.
Coding change: c.13A>T on transcript NM_001352027.3 (MANE Select); coding-DNA position 13, A replaced by T.
Protein change: p.Thr5Ser; replaces threonine 5 with serine.
Molecular consequence: missense variant. On other transcripts: non-coding transcript variant (2).
Genome position (GRCh38, 1-based): chr11:46,084,207, T>A on the plus strand (A>T on the coding strand, the complement: PHF21A is on the minus strand). VCF-style: chr11-46084207-T-A. GRCh37 (hg19) VCF-style: chr11-46105758-T-A.
Other names: c.13A>T, p.Thr5Ser (NM_001101802.3, NM_001352025.3, NM_001352026.3 and 12 more transcripts); short protein forms T5S.
Identifiers: ClinVar variation 4821494 (VCV004821494.4).

ClinVar aggregate classification (germline): Likely benign (1 of 4 stars; one submission).

gnomAD v4.1: 3 of 1,601,066 alleles (0.00019%); highest among the groups gnomAD compares: Non-Finnish European, 0.00026%; no homozygotes.

Submission:

CeGaT Center for Human Genetics Tuebingen
Classification: Likely benign. Last evaluated: 2026-03-01. Review status: criteria provided, single submitter. Criteria: CeGaT Center For Human Genetics Tuebingen Variant Classification Criteria Version 2. Collection method: clinical testing. Allele origin: germline. Affected: yes. Observed: 1 variant allele.
Comment: PHF21A: PP2, BS2